The following is an entry in ClinVar:

ClinVar aggregate classification (germline): Uncertain significance (1 of 4 stars; one submission).

Conditions:
Autosomal recessive dyskeratosis congenita. Identifiers: MedGen C3502105.
Hoyeraal-Hreidarsson syndrome (HHS). Also called: CEREBELLAR HYPOPLASIA WITH PANCYTOPENIA. Identifiers: Orphanet 3322, MedGen C1846142, MONDO:0018045.

Allele frequency attached by ClinVar (database versions not stated): TOPMed below 0.00001.
gnomAD v4.1: 2 of 1,614,216 alleles (0.00012%); highest among the groups gnomAD compares: Non-Finnish European, 0.00017%; no homozygotes.

Submission:

Labcorp Genetics (formerly Invitae), Labcorp
Classification: Uncertain significance for Hoyeraal-Hreidarsson syndrome; Autosomal recessive dyskeratosis congenita. Last evaluated: 2019-04-25. Review status: criteria provided, single submitter. Criteria: Invitae Variant Classification Sherloc (09022015). Collection method: clinical testing. Allele origin: germline.
Comment: This sequence change replaces serine with phenylalanine at codon 278 of the DCLRE1B protein (p.Ser278Phe). The serine residue is highly conserved and there is a large physicochemical difference between serine and phenylalanine. This variant is not present in population databases (ExAC no frequency). This variant has not been reported in the literature in individuals with DCLRE1B-related conditions. Algorithms developed to predict the effect of missense changes on protein structure and function are either unavailable or do not agree on the potential impact of this missense change (SIFT: "Deleterious"; PolyPhen-2: "Probably Damaging"; Align-GVGD: "Class C15"). In summary, the available evidence is currently insufficient to determine the role of this variant in disease. Therefore, it has been classified as a Variant of Uncertain Significance.

NM_022836.4(DCLRE1B):c.833C>T (p.Ser278Phe)

Gene: DCLRE1B (DNA cross-link repair 1B; plus strand). Cytogenetic location: 1p13.2.
Variant type: single nucleotide variant.
Coding change: c.833C>T on transcript NM_022836.4 (MANE Select); coding-DNA position 833, C replaced by T.
Protein change: p.Ser278Phe; replaces serine 278 with phenylalanine.
Molecular consequence: missense variant.
Genome position (GRCh38, 1-based): chr1:113,911,425, C>T. VCF-style: chr1-113911425-C-T. GRCh37 (hg19) VCF-style: chr1-114454047-C-T.
Other names: c.455C>T, p.Ser152Phe (NM_001319946.2, NM_001319947.2, NM_001363691.2); c.833C>T, p.Ser278Phe (NM_001363690.2); short protein forms S152F, S278F.
Identifiers: ClinVar variation 864013 (VCV000864013.9), dbSNP rs946912356, ClinGen allele CA341702886.
Genomic context (GRCh38, chr1:113,911,425, plus strand): 5'-GCCGAAAAATCCACAGCTCCCACCCTGATATCCACGTCATCCCTTACTCTGACCATTCCT[C>T]TTACTCCGAGCTTCGTGCCTTTGTCGCAGCACTGAAGCCTTGCCAGGTGGTGCCCATTGT-3'
Protein context (NP_073747.1, residues 268-288): IHVIPYSDHS[Ser278Phe]YSELRAFVAA